The following is an entry in ClinVar:

NM_020822.3(KCNT1):c.2390G>T (p.Gly797Val)

Gene: KCNT1 (potassium sodium-activated channel subfamily T member 1; plus strand). Cytogenetic location: 9q34.3.
Variant type: single nucleotide variant.
Coding change: c.2390G>T on transcript NM_020822.3 (MANE Select); coding-DNA position 2390, G replaced by T.
Protein change: p.Gly797Val; replaces glycine 797 with valine.
Molecular consequence: missense variant.
Genome position (GRCh38, 1-based): chr9:135,777,378, G>T. VCF-style: chr9-135777378-G-T. GRCh37 (hg19) VCF-style: chr9-138669224-G-T.
Other names: c.2255G>T, p.Gly752Val (NM_001272003.2); short protein forms G752V, G797V.
Identifiers: ClinVar variation 2500311 (VCV002500311.1), dbSNP rs2491023589, ClinGen allele CA375513227.

ClinVar aggregate classification (germline): Likely pathogenic (1 of 4 stars; one submission).

Conditions:
Developmental and epileptic encephalopathy, 14 (DEE14). Also called: Early infantile epileptic encephalopathy 14. Identifiers: Orphanet 293181, MedGen C3554195, MONDO:0013989, OMIM 614959.

Submission:

Institute of Human Genetics, University of Leipzig Medical Center
Classification: Likely pathogenic for Developmental and epileptic encephalopathy, 14. Last evaluated: 2023-03-27. Review status: criteria provided, single submitter. Criteria: ACMG Guidelines, 2015. Collection method: clinical testing. Allele origin: de novo. Affected: yes.
Comment: This variant was identified as de novo (maternity and paternity confirmed)._x000D_ Criteria applied: PS2_MOD, PM1, PM2_SUP, PP3